The following is an entry in ClinVar:

NM_005068.3(SIM1):c.581A>G (p.Tyr194Cys)

Gene: SIM1 (SIM bHLH transcription factor 1; minus strand). Cytogenetic location: 6q16.3.
Variant type: single nucleotide variant.
Coding change: c.581A>G on transcript NM_005068.3 (MANE Select); coding-DNA position 581, A replaced by G.
Protein change: p.Tyr194Cys; replaces tyrosine 194 with cysteine.
Molecular consequence: missense variant.
Genome position (GRCh38, 1-based): chr6:100,448,641, T>C on the plus strand (A>G on the coding strand, the complement: SIM1 is on the minus strand). VCF-style: chr6-100448641-T-C. GRCh37 (hg19) VCF-style: chr6-100896517-T-C.
Other names: c.581A>G, p.Tyr194Cys (NM_001374769.1); short protein forms Y194C.
Identifiers: ClinVar variation 4982481 (VCV004982481.1).

ClinVar aggregate classification (germline): Uncertain significance (1 of 4 stars; one submission).

Conditions:
SIM1-related disorder. Also called: SIM1-related disorders; SIM1-related condition.

Submission:

PreventionGenetics, part of Exact Sciences
Classification: Uncertain significance for SIM1-related condition. Last evaluated: 2025-07-09. Review status: criteria provided, single submitter. Criteria: ACMG Guidelines, 2015. Collection method: clinical testing. Allele origin: germline.
Comment: The SIM1 c.581A>G variant is predicted to result in the amino acid substitution p.Tyr194Cys. To our knowledge, this variant has not been reported in the literature or in a large population database (gnomAD), indicating this variant is rare. At this time, the clinical significance of this variant is uncertain due to the absence of conclusive functional and genetic evidence.